The following is an entry in ClinVar:

ClinVar aggregate classification (germline): Uncertain significance (1 of 4 stars; one submission).

gnomAD v4.1: 8 of 1,602,496 alleles (0.0005%); highest among the groups gnomAD compares: Non-Finnish European, 0.00059%; no homozygotes.

Submission:

GeneDx
Classification: Uncertain significance. Last evaluated: 2025-10-15. Review status: criteria provided, single submitter. Criteria: GeneDx Variant Classification Process June 2021. Collection method: clinical testing. Allele origin: germline.
Comment: Not observed at significant frequency in large population cohorts (gnomAD); In silico analysis supports that this missense variant has a deleterious effect on protein structure/function; Has not been previously published as pathogenic or benign to our knowledge

NM_001271.4(CHD2):c.3718C>T (p.Pro1240Ser)

Gene: CHD2 (chromodomain helicase DNA binding protein 2; plus strand). Cytogenetic location: 15q26.1.
Variant type: single nucleotide variant.
Coding change: c.3718C>T on transcript NM_001271.4 (MANE Select); coding-DNA position 3718, C replaced by T.
Protein change: p.Pro1240Ser; replaces proline 1240 with serine.
Molecular consequence: missense variant.
Genome position (GRCh38, 1-based): chr15:92,997,079, C>T. VCF-style: chr15-92997079-C-T. GRCh37 (hg19) VCF-style: chr15-93540309-C-T.
Other names: short protein forms P1240S.
Identifiers: ClinVar variation 3766297 (VCV003766297.2).